The following is an entry in ClinVar:

ClinVar aggregate classification (germline): Uncertain significance (1 of 4 stars; one submission).

Conditions:
Hereditary spastic paraplegia 11. Also called: Spastic Paraplegia 11; Nakamura Osame syndrome; Autosomal recessive hereditary spastic paraplegia, mental impairment, and thin corpus callosum; SPASTIC PARAPLEGIA, AUTOSOMAL RECESSIVE, COMPLICATED, WITH THIN CORPUS CALLOSUM; SPASTIC PARAPLEGIA, AUTOSOMAL RECESSIVE, WITH MENTAL IMPAIRMENT AND THIN CORPUS CALLOSUM; Spastic paraplegia, mental retardation and thin corpus callosum. Identifiers: Orphanet 2822, MedGen C1858479, MONDO:0011445, OMIM 604360.

Submission:

Labcorp Genetics (formerly Invitae), Labcorp
Classification: Uncertain significance for Hereditary spastic paraplegia 11. Last evaluated: 2023-08-04. Review status: criteria provided, single submitter. Criteria: Invitae Variant Classification Sherloc (09022015). Collection method: clinical testing. Allele origin: germline.
Comment: ClinVar contains an entry for this variant (Variation ID: 1351954). This variant has not been reported in the literature in individuals affected with SPG11-related conditions. This variant is not present in population databases (gnomAD no frequency). This sequence change replaces serine, which is neutral and polar, with phenylalanine, which is neutral and non-polar, at codon 828 of the SPG11 protein (p.Ser828Phe). In summary, the available evidence is currently insufficient to determine the role of this variant in disease. Therefore, it has been classified as a Variant of Uncertain Significance. Advanced modeling of protein sequence and biophysical properties (such as structural, functional, and spatial information, amino acid conservation, physicochemical variation, residue mobility, and thermodynamic stability) performed at Invitae indicates that this missense variant is not expected to disrupt SPG11 protein function.

NM_025137.4(SPG11):c.2483C>T (p.Ser828Phe)

Gene: SPG11 (SPG11 vesicle trafficking associated, spatacsin; minus strand). Cytogenetic location: 15q21.1.
Variant type: single nucleotide variant.
Coding change: c.2483C>T on transcript NM_025137.4 (MANE Select); coding-DNA position 2483, C replaced by T.
Protein change: p.Ser828Phe; replaces serine 828 with phenylalanine.
Molecular consequence: missense variant.
Genome position (GRCh38, 1-based): chr15:44,621,896, G>A on the plus strand (C>T on the coding strand, the complement: SPG11 is on the minus strand). VCF-style: chr15-44621896-G-A. GRCh37 (hg19) VCF-style: chr15-44914094-G-A.
Other names: c.2483C>T, p.Ser828Phe (NM_001160227.2); short protein forms S828F.
Identifiers: ClinVar variation 1351954 (VCV001351954.6), dbSNP rs2141028113, ClinGen allele CA392231700.